The following is an entry in ClinVar:

NM_153682.3(PIGP):c.-22-47G>A

Genes: PIGP (phosphatidylinositol glycan anchor biosynthesis class P; minus strand), LOC130066643 (ATAC-STARR-seq lymphoblastoid silent region 13296; plus strand). Cytogenetic location: 21q22.13.
Variant type: single nucleotide variant.
Coding change: c.-22-47G>A on transcript NM_153682.3 (MANE Select); 47 bases into the intron before 22 bases upstream of the start codon, G replaced by A.
Molecular consequence: intron variant. On other transcripts: missense variant (1).
Genome position (GRCh38, 1-based): chr21:37,072,584, C>T on the plus strand (G>A on the coding strand, the complement: PIGP is on the minus strand). VCF-style: chr21-37072584-C-T. GRCh37 (hg19) VCF-style: chr21-38444884-C-T.
Other names: c.4G>A, p.Val2Met (NM_153681.2); c.-266-47G>A (NM_016430.4); c.-22-47G>A (NM_001320480.2); short protein forms V2M.
Identifiers: ClinVar variation 1444383 (VCV001444383.7), dbSNP rs1028647852, ClinGen allele CA320408043.

ClinVar aggregate classification (germline): Uncertain significance (1 of 4 stars; one submission).

Allele frequency attached by ClinVar (database versions not stated): gnomAD 0.00001; gnomAD exomes 0.00002; TOPMed 0.00002.
gnomAD v4.1: 27 of 1,613,812 alleles (0.0017%); highest among the groups gnomAD compares: Non-Finnish European, 0.002%; no homozygotes.

Submission:

Labcorp Genetics (formerly Invitae), Labcorp
Classification: Uncertain significance. Last evaluated: 2022-08-09. Review status: criteria provided, single submitter. Criteria: Invitae Variant Classification Sherloc (09022015). Collection method: clinical testing. Allele origin: germline.
Comment: This sequence change replaces valine, which is neutral and non-polar, with methionine, which is neutral and non-polar, at codon 2 of the PIGP protein (p.Val2Met). This variant is not present in population databases (gnomAD no frequency). This variant has not been reported in the literature in individuals affected with PIGP-related conditions. ClinVar contains an entry for this variant (Variation ID: 1444383). Algorithms developed to predict the effect of missense changes on protein structure and function output the following: SIFT: "Deleterious"; PolyPhen-2: "Not Available"; Align-GVGD: "Class C0". The methionine amino acid residue is found in multiple mammalian species, which suggests that this missense change does not adversely affect protein function. In summary, the available evidence is currently insufficient to determine the role of this variant in disease. Therefore, it has been classified as a Variant of Uncertain Significance.